The following is an entry in ClinVar:

ClinVar aggregate classification (germline): Uncertain significance. Review status: criteria provided, multiple submitters, no conflicts (2 of 4 stars). 2 submissions from 2 submitters: Uncertain significance (2). Last evaluated 2023-12-07.

gnomAD v4.1: 8 of 1,614,122 alleles (0.0005%); highest among the groups gnomAD compares: Non-Finnish European, 0.00068%; no homozygotes.

Submissions (2):

Mayo Clinic Laboratories, Mayo Clinic
Classification: Uncertain significance. Last evaluated: 2023-12-07. Review status: criteria provided, single submitter. Criteria: ACMG Guidelines, 2015. Collection method: clinical testing. Allele origin: germline. Observed: 1 variant allele.
Comment: BP4, PM2_moderate

Revvity Omics, Revvity
Classification: Uncertain significance. Last evaluated: 2023-11-27. Review status: criteria provided, single submitter. Criteria: ACMG Guidelines, 2015. Collection method: clinical testing. Allele origin: germline.

NM_001355436.2(SPTB):c.3769A>G (p.Arg1257Gly)

Gene: SPTB (spectrin beta, erythrocytic; minus strand). Cytogenetic location: 14q23.3.
Variant type: single nucleotide variant.
Coding change: c.3769A>G on transcript NM_001355436.2 (MANE Select); coding-DNA position 3769, A replaced by G.
Protein change: p.Arg1257Gly; replaces arginine 1257 with glycine.
Molecular consequence: missense variant.
Genome position (GRCh38, 1-based): chr14:64,785,623, T>C on the plus strand (A>G on the coding strand, the complement: SPTB is on the minus strand). VCF-style: chr14-64785623-T-C. GRCh37 (hg19) VCF-style: chr14-65252341-T-C.
Other names: p.Arg1257Gly; c.3769A>G, p.Arg1257Gly (NM_001024858.4, NM_001355437.2); short protein forms R1257G.
Identifiers: ClinVar variation 3380202 (VCV003380202.2).
Genomic context (GRCh38, chr14:64,785,623, plus strand): 5'-GTAGCTCCAGGTTGTCTCTCAGTAGGACAGAGGCCTCCTGGGCCTTCTCGTTGTTCTTCC[T>C]GTGCCTGGAAAGGAAGCCAAAAGCACAGTCACAATAGTGCCGAGCTTGGGGTCCTCACCA-3'
Protein context (NP_001342365.1, residues 1247-1267): EKVQLIEDRH[Arg1257Gly]KNNEKAQEAS